The following is an entry in ClinVar:

NM_001105206.3(LAMA4):c.1816A>G (p.Arg606Gly)

Gene: LAMA4 (laminin subunit alpha 4; minus strand). Cytogenetic location: 6q21.
Variant type: single nucleotide variant.
Coding change: c.1816A>G on transcript NM_001105206.3 (MANE Select); coding-DNA position 1816, A replaced by G.
Protein change: p.Arg606Gly; replaces arginine 606 with glycine.
Molecular consequence: missense variant.
Genome position (GRCh38, 1-based): chr6:112,158,733, T>C on the plus strand (A>G on the coding strand, the complement: LAMA4 is on the minus strand). VCF-style: chr6-112158733-T-C. GRCh37 (hg19) VCF-style: chr6-112479935-T-C.
Other names: c.1795A>G, p.Arg599Gly (NM_001105207.3, NM_002290.5); short protein forms R599G, R606G.
Identifiers: ClinVar variation 2625034 (VCV002625034.2), dbSNP rs2547073687, ClinGen allele CA365365414.

ClinVar aggregate classification (germline): Uncertain significance (1 of 4 stars; one submission).

Conditions:
Cardiovascular phenotype. Identifiers: MedGen CN230736.

Submission:

Ambry Genetics
Classification: Uncertain significance for Cardiovascular phenotype. Last evaluated: 2023-07-21. Review status: criteria provided, single submitter. Criteria: Ambry Variant Classification Scheme 2023. Collection method: clinical testing. Allele origin: germline.
Comment: The p.R599G variant (also known as c.1795A>G), located in coding exon 13 of the LAMA4 gene, results from an A to G substitution at nucleotide position 1795. The arginine at codon 599 is replaced by glycine, an amino acid with dissimilar properties. This amino acid position is conserved. In addition, the in silico prediction for this alteration is inconclusive. Since supporting evidence is limited at this time, the clinical significance of this alteration remains unclear.